The following is an entry in ClinVar:

ClinVar aggregate classification (germline): Benign. Review status: criteria provided, multiple submitters, no conflicts (2 of 4 stars). 4 submissions from 4 submitters: Benign (3). 1 of the submissions does not count toward it. Last evaluated 2026-01-26.

Conditions:
CPAMD8-related disorder. Also called: CPAMD8-related condition.

Allele frequency attached by ClinVar (database versions not stated): TOPMed 0.19404; gnomAD 0.19476 and 0.20168; gnomAD exomes 0.14818 and 0.15487; 1000 Genomes Project 30x 0.18457; ESP Exome Variant Server 0.20085; 1000 Genomes Project 0.17831; ExAC 0.17602.
gnomAD v4.1: 246,167 of 1,552,518 alleles (16%); highest among the groups gnomAD compares: African/African-American, 32%; 21,365 homozygotes.

Submissions (4):

Labcorp Genetics (formerly Invitae), Labcorp
Classification: Benign. Last evaluated: 2026-01-26. Review status: criteria provided, single submitter. Criteria: Invitae Variant Classification Sherloc (09022015). Collection method: clinical testing. Allele origin: germline.

GeneDx
Classification: Benign. Last evaluated: 2021-05-04. Review status: criteria provided, single submitter. Criteria: GeneDx Variant Classification Process June 2021. Collection method: clinical testing. Allele origin: germline. Affected: yes.

Breakthrough Genomics
Classification: Benign. Review status: criteria provided, single submitter. Criteria: ACMG Guidelines, 2015. Collection method: not provided. Allele origin: germline. Inheritance: Autosomal recessive inheritance. Affected: yes.

PreventionGenetics, part of Exact Sciences
Classification: Benign for CPAMD8-related condition. Last evaluated: 2019-03-14. Review status: no assertion criteria provided. Collection method: clinical testing. Allele origin: germline. Not counted in ClinVar's aggregate classification.
Comment: This variant is classified as benign based on ACMG/AMP sequence variant interpretation guidelines (Richards et al. 2015 PMID: 25741868, with internal and published modifications).

NM_015692.5(CPAMD8):c.963G>A (p.Met321Ile)

Gene: CPAMD8 (C3 and PZP like alpha-2-macroglobulin domain containing 8; minus strand). Cytogenetic location: 19p13.11.
Variant type: single nucleotide variant.
Coding change: c.963G>A on transcript NM_015692.5 (MANE Select); coding-DNA position 963, G replaced by A.
Protein change: p.Met321Ile; replaces methionine 321 with isoleucine.
Molecular consequence: missense variant. On other transcripts: non-coding transcript variant (1).
Genome position (GRCh38, 1-based): chr19:16,997,243, C>T on the plus strand (G>A on the coding strand, the complement: CPAMD8 is on the minus strand). VCF-style: chr19-16997243-C-T. GRCh37 (hg19) VCF-style: chr19-17108053-C-T.
Other names: short protein forms M321I.
Identifiers: ClinVar variation 1282826 (VCV001282826.12), dbSNP rs3745339, ClinGen allele CA9285875.
Genomic context (GRCh38, chr19:16,997,243, plus strand): 5'-CCTCTGCACGGGGGTGGAGTCATCGAACGCGACCTGCTGGCTCCCGTCCACACTGGTCAC[C>T]ATGGCCCAGATGCTGACCCTGCCCCGGAAGTGCTCAGGGACGTCCGCTGGGATCATGTCC-3'
Protein context (NP_056507.3, residues 311-331): HFRGRVSIWA[Met321Ile]VTSVDGSQQV